The following is an entry in ClinVar:

NM_181078.3(IL21R):c.909G>A (p.Leu303=)

Genes: IL21R (interleukin 21 receptor; plus strand), IL21R-AS1 (IL21R antisense RNA 1; minus strand). Cytogenetic location: 16p12.1.
Variant type: single nucleotide variant.
Coding change: c.909G>A on transcript NM_181078.3 (MANE Select); coding-DNA position 909, G replaced by A.
Protein change: p.Leu303=; no amino-acid change (leucine 303 retained).
Molecular consequence: synonymous variant. On other transcripts: non-coding transcript variant (1).
Genome position (GRCh38, 1-based): chr16:27,448,575, G>A. VCF-style: chr16-27448575-G-A. GRCh37 (hg19) VCF-style: chr16-27459896-G-A.
Other names: c.909G>A, p.Leu303= (NM_021798.4); c.975G>A, p.Leu325= (NM_181079.5); c.909G>A (NM_021798.3).
Identifiers: ClinVar variation 1594634 (VCV001594634.11), dbSNP rs995647199, ClinGen allele CA279701973.

ClinVar aggregate classification (germline): Likely benign. Review status: criteria provided, multiple submitters, no conflicts (2 of 4 stars). 3 submissions from 3 submitters: Likely benign (2). 1 of the submissions does not count toward it. Last evaluated 2025-03-31.

Conditions:
Cryptosporidiosis-chronic cholangitis-liver disease syndrome. Also called: IL21R immunodeficiency; Immunodeficiency type 56. Identifiers: Orphanet 357329, MedGen C3554687, MONDO:0014082, OMIM 615207.
IL21R-related disorder. Also called: IL21R-related condition.

Allele frequency attached by ClinVar (database versions not stated): gnomAD exomes below 0.00001; gnomAD 0.00001; TOPMed 0.00002.
gnomAD v4.1: 25 of 1,611,748 alleles (0.0016%); highest among the groups gnomAD compares: Middle Eastern, 0.016%; no homozygotes.

Submissions (3):

Labcorp Genetics (formerly Invitae), Labcorp
Classification: Likely benign for Cryptosporidiosis-chronic cholangitis-liver disease syndrome. Last evaluated: 2025-03-31. Review status: criteria provided, single submitter. Criteria: Invitae Variant Classification Sherloc (09022015). Collection method: clinical testing. Allele origin: germline.

Blueprint Genetics
Classification: Likely benign. Last evaluated: 2023-06-19. Review status: criteria provided, single submitter. Criteria: ACMG Guidelines, 2015. Collection method: clinical testing. Allele origin: germline.

PreventionGenetics, part of Exact Sciences
Classification: Likely benign for IL21R-related condition. Last evaluated: 2019-10-15. Review status: no assertion criteria provided. Collection method: clinical testing. Allele origin: germline. Not counted in ClinVar's aggregate classification.
Comment: This variant is classified as likely benign based on ACMG/AMP sequence variant interpretation guidelines (Richards et al. 2015 PMID: 25741868, with internal and published modifications).